The following is an entry in ClinVar:

ClinVar aggregate classification (germline): Uncertain significance. Review status: criteria provided, multiple submitters, no conflicts (2 of 4 stars). 2 submissions from 2 submitters: Uncertain significance (2). Last evaluated 2025-11-05.

Conditions:
Hereditary cancer-predisposing syndrome. Also called: Tumor predisposition; Neoplastic Syndromes, Hereditary; Hereditary neoplastic syndrome; Hereditary Cancer Syndrome. Identifiers: Orphanet 140162, MedGen C0027672, MeSH D009386, MONDO:0015356.
Tietz syndrome (TADS). Also called: ALBINISM-DEAFNESS OF TIETZ; HYPOPIGMENTATION/DEAFNESS OF TIETZ; TIETZ ALBINISM-DEAFNESS SYNDROME. Identifiers: Orphanet 42665, MedGen C0391816, MONDO:0007077, OMIM 103500.
Waardenburg syndrome type 2A (WS2A). Also called: WAARDENBURG SYNDROME WITHOUT DYSTOPIA CANTHORUM. Identifiers: Orphanet 3440, MedGen C1860339, MONDO:0008671, OMIM 193510.
Melanoma, cutaneous malignant, susceptibility to, 8. Also called: MELANOMA AND RENAL CELL CARCINOMA, SUSCEPTIBILITY TO; Cutaneous malignant melanoma 8. Identifiers: Orphanet 293822, MedGen C3152204, MONDO:0013759, OMIM 614456.

Submissions (2):

Labcorp Genetics (formerly Invitae), Labcorp
Classification: Uncertain significance for Melanoma, cutaneous malignant, susceptibility to, 8; Waardenburg syndrome type 2A; Tietz syndrome. Last evaluated: 2025-11-05. Review status: criteria provided, single submitter. Criteria: Invitae Variant Classification Sherloc (09022015). Collection method: clinical testing. Allele origin: germline.
Comment: This sequence change replaces serine, which is neutral and polar, with asparagine, which is neutral and polar, at codon 408 of the MITF protein (p.Ser408Asn). This variant is not present in population databases (gnomAD no frequency). This variant has not been reported in the literature in individuals affected with MITF-related conditions. ClinVar contains an entry for this variant (Variation ID: 4108281). Invitae Evidence Modeling of protein sequence and biophysical properties (such as structural, functional, and spatial information, amino acid conservation, physicochemical variation, residue mobility, and thermodynamic stability) indicates that this missense variant is not expected to disrupt MITF protein function with a negative predictive value of 80%. In summary, the available evidence is currently insufficient to determine the role of this variant in disease. Therefore, it has been classified as a Variant of Uncertain Significance.

Ambry Genetics
Classification: Uncertain significance for Hereditary cancer-predisposing syndrome. Last evaluated: 2025-07-03. Review status: criteria provided, single submitter. Criteria: Ambry Variant Classification Scheme 2023. Collection method: clinical testing. Allele origin: germline.
Comment: The p.S408N variant (also known as c.1223G>A), located in coding exon 9 of the MITF gene, results from a G to A substitution at nucleotide position 1223. The serine at codon 408 is replaced by asparagine, an amino acid with highly similar properties. This amino acid position is conserved. In addition, the in silico prediction for this alteration is inconclusive. Based on the available evidence, the clinical significance of this variant remains unclear.

NM_001354604.2(MITF):c.1544G>A (p.Ser515Asn)

Gene: MITF (melanocyte inducing transcription factor; plus strand). Cytogenetic location: 3p13.
Variant type: single nucleotide variant.
Coding change: c.1544G>A on transcript NM_001354604.2 (MANE Select); coding-DNA position 1544, G replaced by A.
Protein change: p.Ser515Asn; replaces serine 515 with asparagine.
Molecular consequence: missense variant.
Genome position (GRCh38, 1-based): chr3:69,965,211, G>A. VCF-style: chr3-69965211-G-A. GRCh37 (hg19) VCF-style: chr3-70014362-G-A.
Other names: c.1223G>A, p.Ser408Asn (NM_000248.4); c.1370G>A, p.Ser457Asn (NM_001184967.2, NM_001354608.2); c.1541G>A, p.Ser514Asn (NM_001354605.2); c.1523G>A, p.Ser508Asn (NM_001354606.2, NM_006722.3); c.1475G>A, p.Ser492Asn (NM_001354607.2); c.1205G>A, p.Ser402Asn (NM_198158.3); c.1526G>A, p.Ser509Asn (NM_198159.3); c.1478G>A, p.Ser493Asn (NM_198177.3); and 1 more; short protein forms S457N, S493N, S509N, S514N, S515N, S402N, S508N, S346N.
Identifiers: ClinVar variation 4108281 (VCV004108281.2).